The following is an entry in ClinVar:

ClinVar aggregate classification (germline): Benign/Likely benign. Review status: criteria provided, multiple submitters, no conflicts (2 of 4 stars). 2 submissions from 2 submitters: Benign (1); Likely benign (1). Last evaluated 2024-12-31.

Conditions:
Hereditary nonpolyposis colorectal neoplasms. Identifiers: MedGen C0009405, MeSH D003123.
Lynch syndrome 5 (LYNCH5). Also called: Hereditary non-polyposis colorectal cancer, type 5; Colorectal cancer, hereditary nonpolyposis, type 5. Identifiers: Orphanet 144, MedGen C1833477, MONDO:0013710, OMIM 614350. Disease mechanism: loss of function.

Submissions (2):

Myriad Genetics, Inc.
Classification: Benign for Lynch syndrome 5. Last evaluated: 2024-12-31. Review status: criteria provided, single submitter. Criteria: Myriad Autosomal Dominant, Autosomal Recessive and X-Linked Classification Criteria (2023). Collection method: clinical testing. Allele origin: unknown.
Comment: This variant is considered benign. This variant is a silent/synonymous amino acid change and it is not expected to impact splicing.

Labcorp Genetics (formerly Invitae), Labcorp
Classification: Likely benign for Hereditary nonpolyposis colorectal neoplasms. Last evaluated: 2020-05-28. Review status: criteria provided, single submitter. Criteria: Invitae Variant Classification Sherloc (09022015). Collection method: clinical testing. Allele origin: germline.

NM_000179.3(MSH6):c.2652T>G (p.Ser884=)

Gene: MSH6 (mutS homolog 6; plus strand). Cytogenetic location: 2p16.3.
Variant type: single nucleotide variant.
Coding change: c.2652T>G on transcript NM_000179.3 (MANE Select); coding-DNA position 2652, T replaced by G.
Protein change: p.Ser884=; no amino-acid change (serine 884 retained).
Molecular consequence: synonymous variant.
Genome position (GRCh38, 1-based): chr2:47,800,635, T>G. VCF-style: chr2-47800635-T-G. GRCh37 (hg19) VCF-style: chr2-48027774-T-G.
Other names: c.2262T>G, p.Ser754= (NM_001281492.2); c.1746T>G, p.Ser582= (NM_001281493.2, NM_001281494.2).
Identifiers: ClinVar variation 1139208 (VCV001139208.10), dbSNP rs2104417113, ClinGen allele CA426121951.